The following is an entry in ClinVar:

ClinVar aggregate classification (germline): Uncertain significance (1 of 4 stars; one submission).

Submission:

GeneDx
Classification: Uncertain significance. Last evaluated: 2019-06-18. Review status: criteria provided, single submitter. Criteria: GeneDx Variant Classification Process June 2021. Collection method: clinical testing. Allele origin: germline. Affected: yes.
Comment: Not observed in large population cohorts (Lek et al., 2016); In-silico analysis, which includes splice predictors and evolutionary conservation, is inconclusive as to whether the variant alters gene splicing. In the absence of RNA/functional studies, the actual effect of this sequence change is unknown.; Has not been previously published as pathogenic or benign to our knowledge

NM_022089.4(ATP13A2):c.2005+6G>A

Gene: ATP13A2 (ATPase cation transporting 13A2; minus strand). Cytogenetic location: 1p36.13.
Variant type: single nucleotide variant.
Coding change: c.2005+6G>A on transcript NM_022089.4 (MANE Select); 6 bases into the intron after coding-DNA position 2005, G replaced by A.
Molecular consequence: intron variant.
Genome position (GRCh38, 1-based): chr1:16,992,237, C>T on the plus strand (G>A on the coding strand, the complement: ATP13A2 is on the minus strand). VCF-style: chr1-16992237-C-T. GRCh37 (hg19) VCF-style: chr1-17318732-C-T.
Other names: c.1990+6G>A (NM_001141974.3, NM_001141973.3).
Identifiers: ClinVar variation 1306191 (VCV001306191.2), dbSNP rs2100778867, ClinGen allele CA2573051407.